The following is an entry in ClinVar:

ClinVar aggregate classification (germline): Likely benign. Review status: criteria provided, multiple submitters, no conflicts (2 of 4 stars). 2 submissions from 2 submitters: Likely benign (2). Last evaluated 2026-01-13.

Conditions:
DST-related disorder. Also called: DST-related condition; DST-related disorders.
Hereditary sensory and autonomic neuropathy type 6. Also called: HSAN VI; Neuropathy, hereditary sensory and autonomic, type VI. Identifiers: Orphanet 314381, MedGen C3539003, MONDO:0013839, OMIM 614653.
Epidermolysis bullosa simplex 3, localized or generalized intermediate, with BP230 deficiency (EBS3). Also called: Epidermolysis bullosa simplex, autosomal recessive 2; Epidermolysis bullosa simplex due to BP230 deficiency. Identifiers: Orphanet 412181, MedGen C3809470, MONDO:0014180, OMIM 615425.

gnomAD v4.1: 7 of 1,612,868 alleles (0.00043%); highest among the groups gnomAD compares: African/African-American, 0.0027%; no homozygotes.

Submissions (2):

PreventionGenetics, part of Exact Sciences
Classification: Likely benign for DST-related condition. Last evaluated: 2026-01-13. Review status: criteria provided, single submitter. Criteria: ACMG Guidelines, 2015. Collection method: clinical testing. Allele origin: germline.
Comment: This variant is classified as likely benign based on ACMG/AMP sequence variant interpretation guidelines (Richards et al. 2015 PMID: 25741868, with internal and published modifications).

Labcorp Genetics (formerly Invitae), Labcorp
Classification: Likely benign for Epidermolysis bullosa simplex 3, localized or generalized intermediate, with BP230 deficiency; Hereditary sensory and autonomic neuropathy type 6. Last evaluated: 2024-09-11. Review status: criteria provided, single submitter. Criteria: Invitae Variant Classification Sherloc (09022015). Collection method: clinical testing. Allele origin: germline.

NM_001374736.1(DST):c.3048A>G (p.Thr1016=)

Gene: DST (dystonin; minus strand). Cytogenetic location: 6p12.1.
Variant type: single nucleotide variant.
Coding change: c.3048A>G on transcript NM_001374736.1 (MANE Select); coding-DNA position 3048, A replaced by G.
Protein change: p.Thr1016=; no amino-acid change (threonine 1016 retained).
Molecular consequence: synonymous variant.
Genome position (GRCh38, 1-based): chr6:56,636,569, T>C on the plus strand (A>G on the coding strand, the complement: DST is on the minus strand). VCF-style: chr6-56636569-T-C. GRCh37 (hg19) VCF-style: chr6-56501367-T-C.
Other names: c.2415A>G, p.Thr805= (NM_001386100.1, NM_183380.4, NM_001374729.1 and 1 more transcripts); c.1437A>G, p.Thr479= (NM_001723.7, NM_015548.5); c.2949A>G, p.Thr983= (NM_001144769.5); c.2535A>G, p.Thr845= (NM_001144770.2); c.3048A>G, p.Thr1016= (NM_001374722.1); c.3075A>G, p.Thr1025= (NM_001374734.1); c.1437A>G (NM_001723.5).
Identifiers: ClinVar variation 3758154 (VCV003758154.3).